The following is an entry in ClinVar:

NM_001267550.2(TTN):c.74391T>C (p.Ala24797=)

Genes: TTN (titin; minus strand), TTN-AS1 (TTN antisense RNA 1; plus strand). Cytogenetic location: 2q31.2.
Variant type: single nucleotide variant.
Coding change: c.74391T>C on transcript NM_001267550.2 (MANE Select); coding-DNA position 74391, T replaced by C.
Protein change: p.Ala24797=; no amino-acid change (alanine 24797 retained).
Molecular consequence: synonymous variant.
Genome position (GRCh38, 1-based): chr2:178,571,741, A>G on the plus strand (T>C on the coding strand, the complement: TTN is on the minus strand). VCF-style: chr2-178571741-A-G. GRCh37 (hg19) VCF-style: chr2-179436468-A-G.
Other names: c.69468T>C, p.Ala23156= (NM_001256850.1); c.47196T>C, p.Ala15732= (NM_003319.4); c.66687T>C, p.Ala22229= (NM_133378.4); c.47571T>C, p.Ala15857= (NM_133432.3); c.47772T>C, p.Ala15924= (NM_133437.4).
Identifiers: ClinVar variation 1551805 (VCV001551805.30), dbSNP rs760809843, ClinGen allele CA1990203.

ClinVar aggregate classification (germline): Likely benign. Review status: criteria provided, multiple submitters, no conflicts (2 of 4 stars). 2 submissions from 2 submitters: Likely benign (2). Last evaluated 2024-02-01.

Conditions:
Dilated cardiomyopathy 1G (CMD1G). Identifiers: Orphanet 154, MedGen C1858763, MONDO:0011400, OMIM 604145.
Autosomal recessive limb-girdle muscular dystrophy type 2J (LGMDR10). Also called: MUSCULAR DYSTROPHY, LIMB-GIRDLE, AUTOSOMAL RECESSIVE 10; Limb-girdle muscular dystrophy, type 2J. Identifiers: Orphanet 140922, MedGen C1837342, MONDO:0012127, OMIM 608807.

Allele frequency attached by ClinVar (database versions not stated): gnomAD exomes below 0.00001; ExAC 0.00001.
gnomAD v4.1: 1 of 1,613,410 alleles (0.000062%); highest among the groups gnomAD compares: Non-Finnish European, 0.000085%; no homozygotes.

Submissions (2):

CeGaT Center for Human Genetics Tuebingen
Classification: Likely benign. Last evaluated: 2024-02-01. Review status: criteria provided, single submitter. Criteria: CeGaT Center For Human Genetics Tuebingen Variant Classification Criteria Version 2. Collection method: clinical testing. Allele origin: germline. Affected: yes. Observed: 1 variant allele.
Comment: TTN: BP4, BP7

Labcorp Genetics (formerly Invitae), Labcorp
Classification: Likely benign for Dilated cardiomyopathy 1G; Autosomal recessive limb-girdle muscular dystrophy type 2J. Last evaluated: 2021-05-19. Review status: criteria provided, single submitter. Criteria: Invitae Variant Classification Sherloc (09022015). Collection method: clinical testing. Allele origin: germline.